The following is an entry in ClinVar:

NM_182961.4(SYNE1):c.17418G>A (p.Thr5806=)

Genes: SYNE1 (spectrin repeat containing nuclear envelope protein 1; minus strand), LOC129997480 (ATAC-STARR-seq lymphoblastoid active region 25287; plus strand). Cytogenetic location: 6q25.2.
Variant type: single nucleotide variant.
Coding change: c.17418G>A on transcript NM_182961.4 (MANE Select); coding-DNA position 17418, G replaced by A.
Protein change: p.Thr5806=; no amino-acid change (threonine 5806 retained).
Molecular consequence: synonymous variant.
Genome position (GRCh38, 1-based): chr6:152,301,992, C>T on the plus strand (G>A on the coding strand, the complement: SYNE1 is on the minus strand). VCF-style: chr6-152301992-C-T. GRCh37 (hg19) VCF-style: chr6-152623127-C-T.
Other names: p.Thr5735=; c.17205G>A, p.Thr5735= (NM_033071.5).
Identifiers: ClinVar variation 130413 (VCV000130413.23), dbSNP rs17082422, ClinGen allele CA155386.

ClinVar aggregate classification (germline): Benign/Likely benign. Review status: criteria provided, multiple submitters, no conflicts (2 of 4 stars). 8 submissions from 7 submitters: Benign (6); Likely benign (1). 1 of the submissions does not count toward it. Last evaluated 2026-01-28.

Conditions:
Emery-Dreifuss muscular dystrophy 4, autosomal dominant (EDMD4). Also called: EMERY-DREIFUSS MUSCULAR DYSTROPHY 4 WITH VARIABLE FEATURES. Identifiers: Orphanet 261, MedGen C2751807, MONDO:0013071, OMIM 612998.
Arthrogryposis multiplex congenita 3, myogenic type. Also called: ARTHROGRYPOSIS MULTIPLEX CONGENITA, MYOGENIC TYPE. Identifiers: MedGen C5193121, MONDO:0032778, OMIM 618484.
Autosomal recessive ataxia, Beauce type. Also called: SYNE1-Related Autosomal Recessive Cerebellar Ataxia; ATAXIA, RECESSIVE, OF BEAUCE; Spinocerebellar ataxia, autosomal recessive 8; SYNE1 Deficiency. Identifiers: Orphanet 88644, MedGen C1853116, MONDO:0012549, OMIM 610743.

Allele frequency attached by ClinVar (database versions not stated): gnomAD exomes 0.00140 and 0.00369; TOPMed 0.01693; 1000 Genomes Project 30x 0.01765; ExAC 0.00455; ESP Exome Variant Server 0.01599; gnomAD 0.01643 and 0.01518; 1000 Genomes Project 0.01657.
gnomAD v4.1: 4,419 of 1,614,246 alleles (0.27%); highest among the groups gnomAD compares: African/African-American, 5.3%; 95 homozygotes.

Submissions (8):

Labcorp Genetics (formerly Invitae), Labcorp
Classification: Benign for Emery-Dreifuss muscular dystrophy 4, autosomal dominant; Autosomal recessive ataxia, Beauce type. Last evaluated: 2026-01-28. Review status: criteria provided, single submitter. Criteria: Invitae Variant Classification Sherloc (09022015). Collection method: clinical testing. Allele origin: germline.

Athena Diagnostics
Classification: Benign. Last evaluated: 2023-11-16. Review status: criteria provided, single submitter. Criteria: Athena Diagnostics Criteria. Collection method: clinical testing. Allele origin: unknown.

Fulgent Genetics
Classification: Likely benign for Autosomal recessive ataxia, Beauce type; Emery-Dreifuss muscular dystrophy 4, autosomal dominant; Arthrogryposis multiplex congenita 3, myogenic type. Last evaluated: 2022-05-17. Review status: criteria provided, single submitter. Criteria: ACMG Guidelines, 2015. Collection method: clinical testing. Allele origin: unknown.

Mayo Clinic Laboratories, Mayo Clinic
Classification: Benign. Last evaluated: 2018-05-23. Review status: criteria provided, single submitter. Criteria: ACMG Guidelines, 2015. Collection method: clinical testing. Allele origin: germline. Observed: 19 variant alleles.

Illumina Laboratory Services, Illumina
Classification: Benign for Emery-Dreifuss muscular dystrophy 4, autosomal dominant. Last evaluated: 2018-01-12. Review status: criteria provided, single submitter. Criteria: ICSL Variant Classification Criteria 13 December 2019. Collection method: clinical testing. Allele origin: germline.
Comment: This variant was observed in the ICSL laboratory as part of a predisposition screen in an ostensibly healthy population. It had not been previously curated by ICSL or reported in the Human Gene Mutation Database (HGMD: prior to June 1st, 2018), and was therefore a candidate for classification through an automated scoring system. Utilizing variant allele frequency, disease prevalence and penetrance estimates, and inheritance mode, an automated score was calculated to assess if this variant is too frequent to cause the disease. Based on the score and internal cut-off values, a variant classified as benign is not then subjected to further curation. The score for this variant resulted in a classification of benign for this disease.

Illumina Laboratory Services, Illumina
Classification: Benign for Autosomal recessive ataxia, Beauce type. Last evaluated: 2018-01-12. Review status: criteria provided, single submitter. Criteria: ICSL Variant Classification Criteria 13 December 2019. Collection method: clinical testing. Allele origin: germline.
Comment: the same text as in the submission from Illumina Laboratory Services, Illumina above.

GeneDx
Classification: Benign. Last evaluated: 2016-08-16. Review status: criteria provided, single submitter. Criteria: GeneDx Variant Classification (06012015). Collection method: clinical testing. Allele origin: germline. Affected: yes.
Comment: This variant is considered likely benign or benign based on one or more of the following criteria: it is a conservative change, it occurs at a poorly conserved position in the protein, it is predicted to be benign by multiple in silico algorithms, and/or has population frequency not consistent with disease.

Genetic Services Laboratory, University of Chicago
Classification: Likely benign for AllHighlyPenetrant. Review status: no assertion criteria provided. Collection method: clinical testing. Allele origin: germline. Inheritance: Autosomal dominant inheritance. Not counted in ClinVar's aggregate classification.
Comment: Likely benign based on allele frequency in 1000 Genomes Project or ESP global frequency and its presence in a patient with a rare or unrelated disease phenotype. NOT Sanger confirmed.